The following is an entry in ClinVar:

NM_201384.3(PLEC):c.11193C>T (p.Gly3731=)

Gene: PLEC (plectin; minus strand). Cytogenetic location: 8q24.3.
Variant type: single nucleotide variant.
Coding change: c.11193C>T on transcript NM_201384.3 (MANE Select); coding-DNA position 11193, C replaced by T.
Protein change: p.Gly3731=; no amino-acid change (glycine 3731 retained).
Molecular consequence: synonymous variant.
Genome position (GRCh38, 1-based): chr8:143,918,628, G>A on the plus strand (C>T on the coding strand, the complement: PLEC is on the minus strand). VCF-style: chr8-143918628-G-A. GRCh37 (hg19) VCF-style: chr8-144992796-G-A.
Other names: c.11193C>T, p.Gly3731= (NM_201382.4); c.11205C>T, p.Gly3735= (NM_201383.3); c.11274C>T (NM_000445.4); c.11274C>T, p.Gly3758= (NM_000445.5); c.7893C>T, p.Gly2631= (NM_001410941.1); c.11151C>T, p.Gly3717= (NM_201378.4); c.11127C>T, p.Gly3709= (NM_201379.3); c.11604C>T, p.Gly3868= (NM_201380.4); and 1 more.
Identifiers: ClinVar variation 2107582 (VCV002107582.7), dbSNP rs782316917, ClinGen allele CA4924413.

ClinVar aggregate classification (germline): Likely benign. Review status: criteria provided, multiple submitters, no conflicts (2 of 4 stars). 3 submissions from 3 submitters: Likely benign (2). 1 of the submissions does not count toward it. Last evaluated 2024-11-04.

Conditions:
Autosomal recessive limb-girdle muscular dystrophy type 2Q (LGMDR17). Also called: MUSCULAR DYSTROPHY, LIMB-GIRDLE, AUTOSOMAL RECESSIVE 17. Identifiers: Orphanet 254361, MedGen C3150989, MONDO:0013390, OMIM 613723.
Epidermolysis bullosa simplex 5C, with pyloric atresia (EBS5C). Also called: PLEC-Related Epidermolysis Bullosa with Pyloric Atresia; Epidermolysis bullosa simplex with pyloric atresia; PLEC1-Related Epidermolysis Bullosa with Pyloric Atresia. Identifiers: Orphanet 158684, MedGen C2677349, MONDO:0012807, OMIM 612138.
Epidermolysis bullosa simplex 5B, with muscular dystrophy (EBS5B). Also called: EPIDERMOLYSIS BULLOSA SIMPLEX AND LIMB-GIRDLE MUSCULAR DYSTROPHY; Epidermolysis bullosa simplex with muscular dystrophy. Identifiers: Orphanet 257, MedGen C2931072, MONDO:0009181, OMIM 226670.
Epidermolysis bullosa simplex, Ogna type (EBS5A). Also called: Pidermolysis bullosa simplex 5A, Ogna type; EPIDERMOLYSIS BULLOSA SIMPLEX 5A, OGNA TYPE. Identifiers: Orphanet 79401, MedGen C0432317, MONDO:0007555, OMIM 131950.
Epidermolysis bullosa simplex with nail dystrophy (EBS5D). Identifiers: MedGen C4225309, MONDO:0014661, OMIM 616487.
PLEC-related disorder. Also called: PLEC-related condition; PLEC-related disorders.

Allele frequency attached by ClinVar (database versions not stated): ExAC 0.00001; gnomAD exomes 0.00001; TOPMed 0.00001.

Submissions (3):

Labcorp Genetics (formerly Invitae), Labcorp
Classification: Likely benign for Autosomal recessive limb-girdle muscular dystrophy type 2Q; Epidermolysis bullosa simplex, Ogna type; Epidermolysis bullosa simplex with nail dystrophy; Epidermolysis bullosa simplex 5C, with pyloric atresia; Epidermolysis bullosa simplex 5B, with muscular dystrophy. Last evaluated: 2024-11-04. Review status: criteria provided, single submitter. Criteria: Invitae Variant Classification Sherloc (09022015). Collection method: clinical testing. Allele origin: germline.

Blueprint Genetics
Classification: Likely benign. Last evaluated: 2024-07-10. Review status: criteria provided, single submitter. Criteria: ACMG Guidelines, 2015. Collection method: clinical testing. Allele origin: germline.

PreventionGenetics, part of Exact Sciences
Classification: Likely benign for PLEC-related condition. Last evaluated: 2019-05-29. Review status: no assertion criteria provided. Collection method: clinical testing. Allele origin: germline. Not counted in ClinVar's aggregate classification.
Comment: This variant is classified as likely benign based on ACMG/AMP sequence variant interpretation guidelines (Richards et al. 2015 PMID: 25741868, with internal and published modifications).